The following is an entry in ClinVar:

ClinVar aggregate classification (germline): Conflicting classifications of pathogenicity. Review status: criteria provided, conflicting classifications (1 of 4 stars). 7 submissions from 7 submitters: Uncertain significance (2); Benign (1); Likely benign (4). Last evaluated 2026-01-08.

Conditions:
TECTA-related disorder. Also called: TECTA-related condition.
Inborn genetic diseases. Identifiers: MedGen C0950123, MeSH D030342.

Allele frequency attached by ClinVar (database versions not stated): 1000 Genomes Project 0.00040; 1000 Genomes Project 30x 0.00078; gnomAD 0.00149 and 0.00160; ESP Exome Variant Server 0.00169; TOPMed 0.00174; gnomAD exomes 0.00037; ExAC 0.00038.
gnomAD v4.1: 420 of 1,614,110 alleles (0.026%); highest among the groups gnomAD compares: African/African-American, 0.45%; no homozygotes.

Submissions (7):

Labcorp Genetics (formerly Invitae), Labcorp
Classification: Likely benign. Last evaluated: 2026-01-08. Review status: criteria provided, single submitter. Criteria: Invitae Variant Classification Sherloc (09022015). Collection method: clinical testing. Allele origin: germline.

Mayo Clinic Laboratories, Mayo Clinic
Classification: Likely benign. Last evaluated: 2025-03-24. Review status: criteria provided, single submitter. Criteria: ACMG Guidelines, 2015. Collection method: clinical testing. Allele origin: germline. Observed: 1 variant allele.
Comment: BS1

PreventionGenetics, part of Exact Sciences
Classification: Likely benign for TECTA-related condition. Last evaluated: 2024-10-11. Review status: criteria provided, single submitter. Criteria: ACMG Guidelines, 2015. Collection method: clinical testing. Allele origin: germline.
Comment: This variant is classified as likely benign based on ACMG/AMP sequence variant interpretation guidelines (Richards et al. 2015 PMID: 25741868, with internal and published modifications).

Ambry Genetics
Classification: Uncertain significance for Inborn genetic diseases. Last evaluated: 2024-01-30. Review status: criteria provided, single submitter. Criteria: Ambry Variant Classification Scheme 2023. Collection method: clinical testing. Allele origin: germline.

GeneDx
Classification: Uncertain significance. Last evaluated: 2021-05-25. Review status: criteria provided, single submitter. Criteria: GeneDx Variant Classification Process June 2021. Collection method: clinical testing. Allele origin: germline. Affected: yes.
Comment: In silico analysis supports that this missense variant does not alter protein structure/function; Has not been previously published as pathogenic or benign to our knowledge

Laboratory for Molecular Medicine, Mass General Brigham Personalized Medicine
Classification: Likely benign. Last evaluated: 2017-01-25. Review status: criteria provided, single submitter. Criteria: LMM Criteria. Collection method: clinical testing. Allele origin: germline. Observed: 5 variant alleles.
Comment: p.Asp612Asn in exon 08 of TECTA: This variant is not expected to have clinical s ignificance because it has been identified in 0.4% (42/10348) of African chromos omes by the Exome Aggregation Consortium (ExAC; dbSNP rs143730090).

Eurofins Ntd Llc (ga)
Classification: Benign. Last evaluated: 2015-07-09. Review status: criteria provided, single submitter. Criteria: EGL Classification Definitions 2015. Collection method: clinical testing. Allele origin: germline. Observed: 1 variant allele, 1 heterozygote.

NM_005422.4(TECTA):c.1834G>A (p.Asp612Asn)

Genes: TBCEL-TECTA (TBCEL-TECTA readthrough; plus strand), TECTA (tectorin alpha; plus strand). Cytogenetic location: 11q23.3.
Variant type: single nucleotide variant.
Coding change: c.1834G>A on transcript NM_005422.4 (MANE Select); coding-DNA position 1834, G replaced by A.
Protein change: p.Asp612Asn; replaces aspartic acid 612 with asparagine.
Molecular consequence: missense variant.
Genome position (GRCh38, 1-based): chr11:121,127,811, G>A. VCF-style: chr11-121127811-G-A. GRCh37 (hg19) VCF-style: chr11-120998520-G-A.
Other names: c.2791G>A, p.Asp931Asn (NM_001378761.1); short protein forms D612N, D931N.
Identifiers: ClinVar variation 45316 (VCV000045316.22), dbSNP rs143730090, ClinGen allele CA136022.